The following is an entry in ClinVar:

NM_002608.4(PDGFB):c.107_110del (p.His36fs)

Gene: PDGFB (platelet derived growth factor subunit B; minus strand). Cytogenetic location: 22q13.1.
Variant type: Deletion.
Coding change: c.107_110del on transcript NM_002608.4 (MANE Select); coding-DNA positions 107 to 110, 4 bases deleted (ACTC; older notation c.107_110delACTC).
Protein change: p.His36fs; shifts the reading frame from histidine 36.
Molecular consequence: frameshift variant.
Genome position (GRCh38, 1-based): chr22:39,235,828-39,235,831, GAGT deleted on the plus strand (ACTC on the coding strand, the reverse complement: PDGFB is on the minus strand); deleting any 4 consecutive bases within chr22:39,235,828-39,235,832 gives the same sequence; the c. name uses the placement nearest the transcript's 3' end. VCF-style (leftmost placement, unchanged base first): chr22-39235827-CGAGT-C. GRCh37 (hg19) VCF-style: chr22-39631832-CGAGT-C.
Other names: c.62_65del, p.His21fs (NM_033016.3); short protein forms H21fs, H36fs.
Identifiers: ClinVar variation 4729161 (VCV004729161.1).
Genomic context (GRCh38, chr22:39,235,827, plus strand): 5'-ATTCCATTTACCTCCGGGGTCTCCGTGCAGCAGGCGTTGGAGATCATCAAAGGAGCGGAT[CGAGT>C]GGTCACTCAGCATCTCATAAAGCTCCTCGGGAATGGGGTCCCCCTGCCGGGCAGACACCA-3'

ClinVar aggregate classification (germline): Pathogenic (1 of 4 stars; one submission).

Submission:

Labcorp Genetics (formerly Invitae), Labcorp
Classification: Pathogenic. Last evaluated: 2025-10-13. Review status: criteria provided, single submitter. Criteria: Invitae Variant Classification Sherloc (09022015). Collection method: clinical testing. Allele origin: germline.
Comment: This sequence change creates a premature translational stop signal (p.His36Argfs*26) in the PDGFB gene. It is expected to result in an absent or disrupted protein product. Loss-of-function variants in PDGFB are known to be pathogenic (PMID: 23913003, 26599395). This variant is not present in population databases (gnomAD no frequency). This variant has not been reported in the literature in individuals affected with PDGFB-related conditions. For these reasons, this variant has been classified as Pathogenic.

Literature cited by the submitters: PubMed 23913003; PubMed 26599395.